The following is an entry in ClinVar:

NM_198578.4(LRRK2):c.7354T>A (p.Cys2452Ser)

Gene: LRRK2 (leucine rich repeat kinase 2; plus strand). Cytogenetic location: 12q12.
Variant type: single nucleotide variant.
Coding change: c.7354T>A on transcript NM_198578.4 (MANE Select); coding-DNA position 7354, T replaced by A.
Protein change: p.Cys2452Ser; replaces cysteine 2452 with serine.
Molecular consequence: missense variant.
Genome position (GRCh38, 1-based): chr12:40,365,014, T>A. VCF-style: chr12-40365014-T-A. GRCh37 (hg19) VCF-style: chr12-40758816-T-A.
Other names: short protein forms C2452S.
Identifiers: ClinVar variation 3540792 (VCV003540792.1).

ClinVar aggregate classification (germline): Uncertain significance (1 of 4 stars; one submission).

Conditions:
Inborn genetic diseases. Identifiers: MedGen C0950123, MeSH D030342.

Submission:

Ambry Genetics
Classification: Uncertain significance for Inborn genetic diseases. Last evaluated: 2024-11-16. Review status: criteria provided, single submitter. Criteria: Ambry Variant Classification Scheme 2023. Collection method: clinical testing. Allele origin: germline.
Comment: The p.C2452S variant (also known as c.7354T>A), located in coding exon 49 of the LRRK2 gene, results from a T to A substitution at nucleotide position 7354. The cysteine at codon 2452 is replaced by serine, an amino acid with dissimilar properties. This amino acid position is conserved. In addition, the in silico prediction for this alteration is inconclusive. Based on the available evidence, the clinical significance of this variant remains unclear.